The following is an entry in ClinVar:

NM_000321.3(RB1):c.154dup (p.Thr52fs)

Gene: RB1 (RB transcriptional corepressor 1; plus strand). Cytogenetic location: 13q14.2.
Variant type: Duplication.
Coding change: c.154dup on transcript NM_000321.3 (MANE Select); coding-DNA position 154, one base duplicated (A; older notation c.154dupA).
Protein change: p.Thr52fs; shifts the reading frame from threonine 52.
Molecular consequence: frameshift variant.
Genome position (GRCh38, 1-based): chr13:48,307,296, A duplicated; the last of 3 consecutive A bases (chr13:48,307,294-48,307,296); duplicating any one gives the same sequence. VCF-style (leftmost placement, unchanged base first): chr13-48307293-G-GA. GRCh37 (hg19) VCF-style: chr13-48881429-G-GA.
Other names: c.154dup, p.Thr52fs (NM_001407165.1, NM_001407166.1, NM_001407167.1); short protein forms T52fs.
Identifiers: ClinVar variation 3237065 (VCV003237065.1), dbSNP rs2542099867.
Genomic context (GRCh38, chr13:48,307,293, plus strand): 5'-TTGATTTATAAGTATATGCCAATTATATGATTATTTTCATTTGGTAGGCTTGAGTTTGAA[G>GA]AAACAGAAGAACCTGATTTTACTGCATTATGTCAGAAATTAAAGATACCAGATCATGTCA-3'

ClinVar aggregate classification (germline): Pathogenic (1 of 4 stars; one submission).

Conditions:
Retinoblastoma (RB1). Also called: RETINOBLASTOMA, SOMATIC. Identifiers: Orphanet 790, MedGen C0035335, MeSH D012175, MONDO:0008380, OMIM 180200, HP:0009919. Disease mechanism: loss of function. Inheritance: Both sporadic and heritable forms are tested..

Submission:

Genetic Diagnostic Laboratory, University of Pennsylvania School of Medicine
Classification: Pathogenic for Retinoblastoma. Last evaluated: 2024-05-20. Review status: criteria provided, single submitter. Criteria: ACMG Guidelines, 2015. Collection method: clinical testing. Allele origin: germline. Affected: yes. Observed: 1 variant allele.
Comment: Case and Pedigree Information: BILATERAL CASES:1, UNILATERAL CASES:0, TOTAL CASES:1, PEDIGREES:1. ACMG Codes Applied:PVS1, PM2